The following is an entry in ClinVar:

NM_000702.4(ATP1A2):c.2563+3G>C

Gene: ATP1A2 (ATPase Na+/K+ transporting subunit alpha 2; plus strand). Cytogenetic location: 1q23.2.
Variant type: single nucleotide variant.
Coding change: c.2563+3G>C on transcript NM_000702.4 (MANE Select); 3 bases into the intron after coding-DNA position 2563, G replaced by C.
Molecular consequence: intron variant.
Genome position (GRCh38, 1-based): chr1:160,136,373, G>C. VCF-style: chr1-160136373-G-C. GRCh37 (hg19) VCF-style: chr1-160106163-G-C.
Identifiers: ClinVar variation 1956371 (VCV001956371.6), dbSNP rs748499136, ClinGen allele CA1194773.

ClinVar aggregate classification (germline): Uncertain significance. Review status: criteria provided, multiple submitters, no conflicts (2 of 4 stars). 2 submissions from 2 submitters: Uncertain significance (2). Last evaluated 2024-08-26.

Conditions:
Familial hemiplegic migraine. Identifiers: MedGen C0338484, MONDO:0000700.

Allele frequency attached by ClinVar (database versions not stated): ExAC 0.00001; gnomAD exomes 0.00001.
gnomAD v4.1: 3 of 1,614,018 alleles (0.00019%); highest among the groups gnomAD compares: Non-Finnish European, 0.00025%; no homozygotes.

Submissions (2):

GeneDx
Classification: Uncertain significance. Last evaluated: 2024-08-26. Review status: criteria provided, single submitter. Criteria: GeneDx Variant Classification Process June 2021. Collection method: clinical testing. Allele origin: germline. Affected: yes.
Comment: Not observed at significant frequency in large population cohorts (gnomAD); In silico analysis supports a deleterious effect on splicing; Has not been previously published as pathogenic or benign to our knowledge

Labcorp Genetics (formerly Invitae), Labcorp
Classification: Uncertain significance for Familial hemiplegic migraine. Last evaluated: 2022-04-11. Review status: criteria provided, single submitter. Criteria: Invitae Variant Classification Sherloc (09022015). Collection method: clinical testing. Allele origin: germline.
Comment: This sequence change falls in intron 18 of the ATP1A2 gene. It does not directly change the encoded amino acid sequence of the ATP1A2 protein. It affects a nucleotide within the consensus splice site. This variant is present in population databases (rs748499136, gnomAD 0.002%). This variant has been observed in individual(s) with clinical features of ATP1A2-related conditions (Invitae). Variants that disrupt the consensus splice site are a relatively common cause of aberrant splicing (PMID: 17576681, 9536098). Algorithms developed to predict the effect of sequence changes on RNA splicing suggest that this variant may disrupt the consensus splice site. In summary, the available evidence is currently insufficient to determine the role of this variant in disease. Therefore, it has been classified as a Variant of Uncertain Significance.

Literature cited by the submitters: PubMed 17576681 (cited by Labcorp Genetics (formerly Invitae), Labcorp); PubMed 9536098 (cited by Labcorp Genetics (formerly Invitae), Labcorp).